The following is an entry in ClinVar:

NM_001009944.3(PKD1):c.4461del (p.Ser1488fs)

Gene: PKD1 (polycystin 1, transient receptor potential channel interacting; minus strand). Cytogenetic location: 16p13.3.
Variant type: Deletion.
Coding change: c.4461del on transcript NM_001009944.3 (MANE Select); coding-DNA position 4461, one base deleted (C; older notation c.4461delC).
Protein change: p.Ser1488fs; shifts the reading frame from serine 1488.
Molecular consequence: frameshift variant.
Genome position (GRCh38, 1-based): chr16:2,110,706, G deleted on the plus strand (C on the coding strand, the reverse complement: PKD1 is on the minus strand). VCF-style (leftmost placement, unchanged base first): chr16-2110705-AG-A. GRCh37 (hg19) VCF-style: chr16-2160706-AG-A.
Other names: c.4461del, p.Ser1488fs (NM_000296.4); short protein forms S1488fs.
Identifiers: ClinVar variation 433962 (VCV000433962.3), dbSNP rs1555455998, ClinGen allele CA645373038.

ClinVar aggregate classification (germline): Pathogenic (0 of 4 stars; one submission).

Conditions:
Polycystic kidney disease. Also called: Kidney, Polycystic; Polycystic kidney dysplasia. Identifiers: MedGen C0022680, MeSH D007690, MONDO:0020642, HP:0000113.

Submission:

Department of Pathology and Laboratory Medicine, Sinai Health System
Classification: Pathogenic for Polycystic Kidney disease. Review status: no assertion criteria provided. Collection method: clinical testing. Allele origin: unknown. Affected: yes. Observed: 3 variant alleles. Study: The Canadian Open Genetics Repository (COGR).
Comment: The PKD1 p.Ser1488LeufsX46 variant was not identified in the literature nor was it identified in in dbSNP, Clinvitae, ClinVar, GeneInsight COGR, MutDB, ADPKD Mutation Database, PKD1-LOVD, PKD1-LOVD 3.0, 1000 Genomes Project, NHLBI GO Exome Sequencing Project or the Exome Aggregation Consortium database (August 8, 2016). The c.4461delC variant is predicted to cause a frameshift, which alters the protein amino acid sequence beginning at codon 1488 and leads to a premature stop codon 46 codons downstream. This alteration is then predicted to result in a truncated or absent protein and loss of function. Loss of function variants of the PKD1 gene are an established mechanism of disease in autosomal dominant polycystic kidney disease and is the type of variant expected to cause the disorder. In summary, based on the above information, this variant meets our laboratoryâ€šÃ„Ã´s criteria to be classified as pathogenic.